The following is an entry in ClinVar:

NM_001458.5(FLNC):c.4054del (p.Arg1352fs)

Gene: FLNC (filamin C; plus strand). Cytogenetic location: 7q32.1.
Variant type: Deletion.
Coding change: c.4054del on transcript NM_001458.5 (MANE Select); coding-DNA position 4054, one base deleted (C; older notation c.4054delC).
Protein change: p.Arg1352fs; shifts the reading frame from arginine 1352.
Molecular consequence: frameshift variant.
Genome position (GRCh38, 1-based): chr7:128,846,390, C deleted; the last of 3 consecutive C bases (chr7:128,846,388-128,846,390); deleting any one gives the same sequence. VCF-style (leftmost placement, unchanged base first): chr7-128846387-AC-A. GRCh37 (hg19) VCF-style: chr7-128486441-AC-A.
Other names: c.4054del, p.Arg1352fs (NM_001127487.2); short protein forms R1352fs.
Identifiers: ClinVar variation 2937408 (VCV002937408.4), dbSNP rs2536642169, ClinGen allele CA2740094852.

ClinVar aggregate classification (germline): Pathogenic/Likely pathogenic. Review status: criteria provided, multiple submitters, no conflicts (2 of 4 stars). 2 submissions from 2 submitters: Pathogenic (1); Likely pathogenic (1). Last evaluated 2025-04-07.

Conditions:
Hypertrophic cardiomyopathy 26. Also called: Cardiomyopathy, familial hypertrophic, 26. Identifiers: Orphanet 75249, MedGen C4310749, MONDO:0014883, OMIM 617047.
Myofibrillar myopathy 5. Also called: Filaminopathy (type); FILAMINOPATHY, AUTOSOMAL DOMINANT. Identifiers: Orphanet 171445, MedGen C1836050, MONDO:0012289, OMIM 609524.
Distal myopathy with posterior leg and anterior hand involvement. Also called: WILLIAMS DISTAL MYOPATHY. Identifiers: Orphanet 63273, MedGen C3279722, MONDO:0013550, OMIM 614065.

Submissions (2):

ARUP Laboratories, Molecular Genetics and Genomics, ARUP Laboratories
Classification: Likely pathogenic. Last evaluated: 2025-04-07. Review status: criteria provided, single submitter. Criteria: ARUP Molecular Germline Variant Investigation Process 2024. Collection method: clinical testing. Allele origin: germline.
Comment: The FLNC c.4054del; p.Arg1352AlafsTer34 variant, to our knowledge, is not reported in the medical literature but is reported in ClinVar (Variation ID: 2937408). This variant is absent from the Genome Aggregation Database (v2.1.1), indicating it is not a common polymorphism. This variant causes a frameshift by deleting a single nucleotide, so it is predicted to result in a truncated protein or mRNA subject to nonsense-mediated decay. Based on available information, this variant is considered to be likely pathogenic.

Labcorp Genetics (formerly Invitae), Labcorp
Classification: Pathogenic for Distal myopathy with posterior leg and anterior hand involvement; Myofibrillar myopathy 5; Hypertrophic cardiomyopathy 26. Last evaluated: 2023-11-11. Review status: criteria provided, single submitter. Criteria: Invitae Variant Classification Sherloc (09022015). Collection method: clinical testing. Allele origin: germline.
Comment: This sequence change creates a premature translational stop signal (p.Arg1352Alafs*34) in the FLNC gene. It is expected to result in an absent or disrupted protein product. Loss-of-function variants in FLNC are known to be pathogenic (PMID: 27908349). This variant is not present in population databases (gnomAD no frequency). This variant has not been reported in the literature in individuals affected with FLNC-related conditions. For these reasons, this variant has been classified as Pathogenic.

Literature cited by the submitters: PubMed 27908349 (cited by Labcorp Genetics (formerly Invitae), Labcorp).